The following is an entry in ClinVar:

ClinVar aggregate classification (germline): Uncertain significance (1 of 4 stars; one submission).

Conditions:
Tatton-Brown-Rahman overgrowth syndrome. Also called: Tall stature-intellectual disability-facial dysmorphism syndrome; Tatton-Brown-Rahman syndrome. Identifiers: Orphanet 404443, MedGen C4014545, MONDO:0014382, OMIM 615879.

Submission:

Labcorp Genetics (formerly Invitae), Labcorp
Classification: Uncertain significance for Tatton-Brown-Rahman overgrowth syndrome. Last evaluated: 2023-06-14. Review status: criteria provided, single submitter. Criteria: Invitae Variant Classification Sherloc (09022015). Collection method: clinical testing. Allele origin: unknown.
Comment: In summary, the available evidence is currently insufficient to determine the role of this variant in disease. Therefore, it has been classified as a Variant of Uncertain Significance. This variant has not been reported in the literature in individuals affected with DNMT3A-related conditions. A copy number gain of the genomic region encompassing the full coding sequence of the DNMT3A gene has been identified. The boundaries of this event are unknown as they extend beyond the assayed region for this gene and therefore may encompass additional genes. As the precise location of this event is unknown, it may be in tandem or it may be located elsewhere in the genome.

NC_000002.11:g.(?_24443763)_(26068452_?)dup

Genes: ADCY3 (adenylate cyclase 3; minus strand), ASXL2 (ASXL transcriptional regulator 2; minus strand), CENPO (centromere protein O; plus strand), DNAJC27 (DnaJ heat shock protein family (Hsp40) member C27; minus strand), DNMT3A (DNA methyltransferase 3 alpha; minus strand) and 6 more. Cytogenetic location: 2p23.3.
Variant type: Duplication.
Identifiers: ClinVar variation 3247408 (VCV003247408.1).